The following is an entry in ClinVar:

NM_003238.6(TGFB2):c.485C>T (p.Pro162Leu)

Gene: TGFB2 (transforming growth factor beta 2; plus strand). Cytogenetic location: 1q41.
Variant type: single nucleotide variant.
Coding change: c.485C>T on transcript NM_003238.6 (MANE Select); coding-DNA position 485, C replaced by T.
Protein change: p.Pro162Leu; replaces proline 162 with leucine.
Molecular consequence: missense variant. On other transcripts: non-coding transcript variant (2).
Genome position (GRCh38, 1-based): chr1:218,405,307, C>T. VCF-style: chr1-218405307-C-T. GRCh37 (hg19) VCF-style: chr1-218578649-C-T.
Other names: c.569C>T, p.Pro190Leu (NM_001135599.4); short protein forms P162L, P190L.
Identifiers: ClinVar variation 3676741 (VCV003676741.2).
Genomic context (GRCh38, chr1:218,405,307, plus strand): 5'-CCAATTTGGTGAAAGCAGAGTTCAGAGTCTTTCGTTTGCAGAACCCAAAAGCCAGAGTGC[C>T]TGAACAACGGATTGAGCTATATCAGGTAATGTTCATTTGTTGTTGTTGTTGTTGTTGTTG-3'
Protein context (NP_003229.1, residues 152-172): FRLQNPKARV[Pro162Leu]EQRIELYQIL

ClinVar aggregate classification (germline): Uncertain significance (1 of 4 stars; one submission).

Conditions:
Loeys-Dietz syndrome 4 (LDS4). Also called: ANEURYSM, AORTIC AND CEREBRAL, WITH ARTERIAL TORTUOSITY AND SKELETAL MANIFESTATIONS; TGFB2-Related Loeys-Dietz Syndrome. Identifiers: MedGen C3553762, MONDO:0013897, OMIM 614816.

gnomAD v4.1: 1 of 1,614,068 alleles (0.000062%); highest among the groups gnomAD compares: Non-Finnish European, 0.000085%; no homozygotes.

Submission:

Labcorp Genetics (formerly Invitae), Labcorp
Classification: Uncertain significance for Loeys-Dietz syndrome 4. Last evaluated: 2024-10-20. Review status: criteria provided, single submitter. Criteria: Invitae Variant Classification Sherloc (09022015). Collection method: clinical testing. Allele origin: germline.
Comment: This sequence change replaces proline, which is neutral and non-polar, with leucine, which is neutral and non-polar, at codon 162 of the TGFB2 protein (p.Pro162Leu). The frequency data for this variant in the population databases is considered unreliable, as metrics indicate poor data quality at this position in the gnomAD database. This variant has not been reported in the literature in individuals affected with TGFB2-related conditions. Invitae Evidence Modeling of protein sequence and biophysical properties (such as structural, functional, and spatial information, amino acid conservation, physicochemical variation, residue mobility, and thermodynamic stability) indicates that this missense variant is not expected to disrupt TGFB2 protein function with a negative predictive value of 80%. In summary, the available evidence is currently insufficient to determine the role of this variant in disease. Therefore, it has been classified as a Variant of Uncertain Significance.